The following is an entry in ClinVar:

ClinVar aggregate classification (germline): Uncertain significance. Review status: criteria provided, multiple submitters, no conflicts (2 of 4 stars). 2 submissions from 2 submitters: Uncertain significance (2). Last evaluated 2025-03-31.

Allele frequency attached by ClinVar (database versions not stated): gnomAD exomes below 0.00001; gnomAD 0.00001; TOPMed 0.00001.

Submissions (2):

Labcorp Genetics (formerly Invitae), Labcorp
Classification: Uncertain significance. Last evaluated: 2025-03-31. Review status: criteria provided, single submitter. Criteria: Invitae Variant Classification Sherloc (09022015). Collection method: clinical testing. Allele origin: germline.
Comment: This sequence change replaces aspartic acid, which is acidic and polar, with glutamic acid, which is acidic and polar, at codon 164 of the GMNN protein (p.Asp164Glu). This variant is present in population databases (no rsID available, gnomAD 0.006%). This variant has not been reported in the literature in individuals affected with GMNN-related conditions. ClinVar contains an entry for this variant (Variation ID: 1519070). An algorithm developed to predict the effect of missense changes on protein structure and function outputs the following: PolyPhen-2: "Benign". The glutamic acid amino acid residue is found in multiple mammalian species, which suggests that this missense change does not adversely affect protein function. In summary, the available evidence is currently insufficient to determine the role of this variant in disease. Therefore, it has been classified as a Variant of Uncertain Significance.

Women's Health and Genetics/Laboratory Corporation of America, LabCorp
Classification: Uncertain significance. Last evaluated: 2024-11-20. Review status: criteria provided, single submitter. Criteria: LabCorp Variant Classification Summary - May 2015. Collection method: clinical testing. Allele origin: germline.
Comment: Variant summary: GMNN c.492T>A (p.Asp164Glu) results in a conservative amino acid change in the encoded protein sequence. Five of five in-silico tools predict a benign effect of the variant on protein function. The variant allele was found at a frequency of 4.3e-06 in 232802 control chromosomes. The available data on variant occurrences in the general population are insufficient to allow any conclusion about variant significance. To our knowledge, no occurrence of c.492T>A in individuals affected with Meier-Gorlin Syndrome 6 and no experimental evidence demonstrating its impact on protein function have been reported. ClinVar contains an entry for this variant (Variation ID: 1519070). Based on the evidence outlined above, the variant was classified as uncertain significance.

NM_015895.5(GMNN):c.492T>A (p.Asp164Glu)

Gene: GMNN (geminin DNA replication inhibitor; plus strand). Cytogenetic location: 6p22.3.
Variant type: single nucleotide variant.
Coding change: c.492T>A on transcript NM_015895.5 (MANE Select); coding-DNA position 492, T replaced by A.
Protein change: p.Asp164Glu; replaces aspartic acid 164 with glutamic acid.
Molecular consequence: missense variant.
Genome position (GRCh38, 1-based): chr6:24,785,661, T>A. VCF-style: chr6-24785661-T-A. GRCh37 (hg19) VCF-style: chr6-24785889-T-A.
Other names: c.492T>A, p.Asp164Glu (NM_001251989.2, NM_001251990.2, NM_001251991.1); short protein forms D164E.
Identifiers: ClinVar variation 1519070 (VCV001519070.6), dbSNP rs991501358, ClinGen allele CA136180688.